The following is an entry in ClinVar:

ClinVar aggregate classification (germline): Likely benign. Review status: criteria provided, multiple submitters, no conflicts (2 of 4 stars). 2 submissions from 2 submitters: Likely benign (2). Last evaluated 2025-09-28.

Conditions:
Epidermolysis bullosa simplex with nail dystrophy (EBS5D). Identifiers: MedGen C4225309, MONDO:0014661, OMIM 616487.
Epidermolysis bullosa simplex 5B, with muscular dystrophy (EBS5B). Also called: EPIDERMOLYSIS BULLOSA SIMPLEX AND LIMB-GIRDLE MUSCULAR DYSTROPHY; Epidermolysis bullosa simplex with muscular dystrophy. Identifiers: Orphanet 257, MedGen C2931072, MONDO:0009181, OMIM 226670.
Epidermolysis bullosa simplex, Ogna type (EBS5A). Also called: Pidermolysis bullosa simplex 5A, Ogna type; EPIDERMOLYSIS BULLOSA SIMPLEX 5A, OGNA TYPE. Identifiers: Orphanet 79401, MedGen C0432317, MONDO:0007555, OMIM 131950.
Epidermolysis bullosa simplex 5C, with pyloric atresia (EBS5C). Also called: Epidermolysis bullosa simplex with pyloric atresia; PLEC-Related Epidermolysis Bullosa with Pyloric Atresia; PLEC1-Related Epidermolysis Bullosa with Pyloric Atresia. Identifiers: Orphanet 158684, MedGen C2677349, MONDO:0012807, OMIM 612138.
Autosomal recessive limb-girdle muscular dystrophy type 2Q (LGMDR17). Also called: MUSCULAR DYSTROPHY, LIMB-GIRDLE, AUTOSOMAL RECESSIVE 17. Identifiers: Orphanet 254361, MedGen C3150989, MONDO:0013390, OMIM 613723.

Allele frequency attached by ClinVar (database versions not stated): gnomAD 0.00001; TOPMed 0.00004.
gnomAD v4.1: 17 of 1,535,088 alleles (0.0011%); highest among the groups gnomAD compares: South Asian, 0.0024%; no homozygotes.

Submissions (2):

Labcorp Genetics (formerly Invitae), Labcorp
Classification: Likely benign for Autosomal recessive limb-girdle muscular dystrophy type 2Q; Epidermolysis bullosa simplex, Ogna type; Epidermolysis bullosa simplex with nail dystrophy; Epidermolysis bullosa simplex 5C, with pyloric atresia; Epidermolysis bullosa simplex 5B, with muscular dystrophy. Last evaluated: 2025-09-28. Review status: criteria provided, single submitter. Criteria: Invitae Variant Classification Sherloc (09022015). Collection method: clinical testing. Allele origin: germline.

Athena Diagnostics
Classification: Likely benign. Last evaluated: 2025-04-04. Review status: criteria provided, single submitter. Criteria: Athena Diagnostics Criteria. Collection method: clinical testing. Allele origin: unknown.
Comment: Computational tools yielded predictions that this variant is unlikely to have an effect on normal RNA splicing. This nucleotide position exhibits low evolutionary conservation.

NM_201384.3(PLEC):c.5160C>T (p.Ala1720=)

Gene: PLEC (plectin; minus strand). Cytogenetic location: 8q24.3.
Variant type: single nucleotide variant.
Coding change: c.5160C>T on transcript NM_201384.3 (MANE Select); coding-DNA position 5160, C replaced by T.
Protein change: p.Ala1720=; no amino-acid change (alanine 1720 retained).
Molecular consequence: synonymous variant.
Genome position (GRCh38, 1-based): chr8:143,924,769, G>A on the plus strand (C>T on the coding strand, the complement: PLEC is on the minus strand). VCF-style: chr8-143924769-G-A. GRCh37 (hg19) VCF-style: chr8-144998937-G-A.
Other names: c.5241C>T, p.Ala1747= (NM_000445.5); c.5118C>T, p.Ala1706= (NM_201378.4); c.5094C>T, p.Ala1698= (NM_201379.3); c.5571C>T, p.Ala1857= (NM_201380.4); c.5064C>T, p.Ala1688= (NM_201381.3); c.5160C>T, p.Ala1720= (NM_201382.4); c.5172C>T, p.Ala1724= (NM_201383.3); c.5241C>T (NM_000445.3).
Identifiers: ClinVar variation 1591009 (VCV001591009.9), dbSNP rs782675313, ClinGen allele CA4926410.